The following is an entry in ClinVar:

NM_018127.7(ELAC2):c.1478C>G (p.Pro493Arg)

Gene: ELAC2 (elaC ribonuclease Z 2; minus strand). Cytogenetic location: 17p12.
Variant type: single nucleotide variant.
Coding change: c.1478C>G on transcript NM_018127.7 (MANE Select); coding-DNA position 1478, C replaced by G.
Protein change: p.Pro493Arg; replaces proline 493 with arginine.
Molecular consequence: missense variant.
Genome position (GRCh38, 1-based): chr17:12,998,454, G>C on the plus strand (C>G on the coding strand, the complement: ELAC2 is on the minus strand). VCF-style: chr17-12998454-G-C. GRCh37 (hg19) VCF-style: chr17-12901771-G-C.
Other names: c.1358C>G, p.Pro453Arg (NM_001165962.2); c.1475C>G, p.Pro492Arg (NM_173717.2); short protein forms P453R, P492R, P493R.
Identifiers: ClinVar variation 2885223 (VCV002885223.2), dbSNP rs915692232, ClinGen allele CA288078878.

ClinVar aggregate classification (germline): Uncertain significance (1 of 4 stars; one submission).

Conditions:
Combined oxidative phosphorylation defect type 17. Also called: Combined oxidative phosphorylation deficiency 17. Identifiers: Orphanet 369913, MedGen C3809526, MONDO:0014190, OMIM 615440.

gnomAD v4.1: 4 of 1,614,020 alleles (0.00025%); highest among the groups gnomAD compares: African/African-American, 0.0027%; no homozygotes.

Submission:

Labcorp Genetics (formerly Invitae), Labcorp
Classification: Uncertain significance for Combined oxidative phosphorylation defect type 17. Last evaluated: 2025-12-20. Review status: criteria provided, single submitter. Criteria: Invitae Variant Classification Sherloc (09022015). Collection method: clinical testing. Allele origin: germline.
Comment: This sequence change replaces proline, which is neutral and non-polar, with arginine, which is basic and polar, at codon 493 of the ELAC2 protein (p.Pro493Arg). This variant is present in population databases (no rsID available, gnomAD 0.003%). This variant has not been reported in the literature in individuals affected with ELAC2-related conditions. ClinVar contains an entry for this variant (Variation ID: 2885223). Invitae Evidence Modeling of protein sequence and biophysical properties (such as structural, functional, and spatial information, amino acid conservation, physicochemical variation, residue mobility, and thermodynamic stability) indicates that this missense variant is expected to disrupt ELAC2 protein function with a positive predictive value of 80%. In summary, the available evidence is currently insufficient to determine the role of this variant in disease. Therefore, it has been classified as a Variant of Uncertain Significance.